The following is an entry in ClinVar:

ClinVar aggregate classification (germline): Uncertain significance (1 of 4 stars; one submission).

Submission:

Ambry Genetics
Classification: Uncertain significance. Last evaluated: 2024-08-08. Review status: criteria provided, single submitter. Criteria: Ambry Variant Classification Scheme 2023. Collection method: clinical testing. Allele origin: germline.
Comment: The p.E272G variant (also known as c.815A>G), located in coding exon 6 of the RECQL gene, results from an A to G substitution at nucleotide position 815. The glutamic acid at codon 272 is replaced by glycine, an amino acid with similar properties. This amino acid position is not well conserved in available vertebrate species. In addition, this alteration is predicted to be tolerated by in silico analysis. Since supporting evidence is limited at this time, the clinical significance of this alteration remains unclear.

NM_002907.4(RECQL):c.815A>G (p.Glu272Gly)

Gene: RECQL (RecQ like helicase; minus strand). Cytogenetic location: 12p12.1.
Variant type: single nucleotide variant.
Coding change: c.815A>G on transcript NM_002907.4 (MANE Select); coding-DNA position 815, A replaced by G.
Protein change: p.Glu272Gly; replaces glutamic acid 272 with glycine.
Molecular consequence: missense variant.
Genome position (GRCh38, 1-based): chr12:21,477,855, T>C on the plus strand (A>G on the coding strand, the complement: RECQL is on the minus strand). VCF-style: chr12-21477855-T-C. GRCh37 (hg19) VCF-style: chr12-21630789-T-C.
Other names: c.815A>G, p.Glu272Gly (NM_032941.3); short protein forms E272G.
Identifiers: ClinVar variation 1762208 (VCV001762208.3), dbSNP rs2540356170, ClinGen allele CA384124333.